The following is an entry in ClinVar:

NM_007194.4(CHEK2):c.887A>T (p.Asp296Val)

Gene: CHEK2 (checkpoint kinase 2; minus strand). Cytogenetic location: 22q12.1.
Variant type: single nucleotide variant.
Coding change: c.887A>T on transcript NM_007194.4 (MANE Select); coding-DNA position 887, A replaced by T.
Protein change: p.Asp296Val; replaces aspartic acid 296 with valine.
Molecular consequence: missense variant.
Genome position (GRCh38, 1-based): chr22:28,703,526, T>A on the plus strand (A>T on the coding strand, the complement: CHEK2 is on the minus strand). VCF-style: chr22-28703526-T-A. GRCh37 (hg19) VCF-style: chr22-29099514-T-A.
Other names: c.1016A>T, p.Asp339Val (NM_001005735.3); c.224A>T, p.Asp75Val (NM_001257387.3); c.686A>T, p.Asp229Val (NM_001349956.3); c.887A>T, p.Asp296Val (NM_145862.3); short protein forms D296V, D229V, D339V, D75V.
Identifiers: ClinVar variation 491650 (VCV000491650.17), dbSNP rs777397542, ClinGen allele CA411101053.

ClinVar aggregate classification (germline): Uncertain significance. Review status: criteria provided, multiple submitters, no conflicts (2 of 4 stars). 3 submissions from 3 submitters: Uncertain significance (3). Last evaluated 2025-03-11.

Conditions:
Familial cancer of breast. Also called: Hereditary breast cancer; hereditary breast carcinoma; BREAST CANCER, FAMILIAL. Identifiers: Orphanet 227535, MedGen C0346153, MONDO:0016419, OMIM 114480. Disease mechanism: loss of function.
Hereditary cancer-predisposing syndrome. Also called: Hereditary neoplastic syndrome; Tumor predisposition; Hereditary Cancer Syndrome; Neoplastic Syndromes, Hereditary. Identifiers: Orphanet 140162, MedGen C0027672, MeSH D009386, MONDO:0015356.

Allele frequency attached by ClinVar (database versions not stated): gnomAD exomes below 0.00001.
gnomAD v4.1: 2 of 1,536,360 alleles (0.00013%); highest among the groups gnomAD compares: Admixed American, 0.0018%; no homozygotes.

Submissions (3):

Labcorp Genetics (formerly Invitae), Labcorp
Classification: Uncertain significance for Familial cancer of breast. Last evaluated: 2025-03-11. Review status: criteria provided, single submitter. Criteria: Invitae Variant Classification Sherloc (09022015). Collection method: clinical testing. Allele origin: germline.
Comment: This sequence change replaces aspartic acid, which is acidic and polar, with valine, which is neutral and non-polar, at codon 296 of the CHEK2 protein (p.Asp296Val). The frequency data for this variant in the population databases is considered unreliable, as metrics indicate poor data quality at this position in the gnomAD database. This variant has not been reported in the literature in individuals affected with CHEK2-related conditions. ClinVar contains an entry for this variant (Variation ID: 491650). An algorithm developed to predict the effect of missense changes on protein structure and function (PolyPhen-2) suggests that this variant is likely to be disruptive. Studies have shown that this missense change is associated with inconclusive levels of altered splicing (internal data). In summary, the available evidence is currently insufficient to determine the role of this variant in disease. Therefore, it has been classified as a Variant of Uncertain Significance.

Color Diagnostics, LLC DBA Color Health
Classification: Uncertain significance for Hereditary cancer-predisposing syndrome. Last evaluated: 2023-12-05. Review status: criteria provided, single submitter. Criteria: ACMG Guidelines, 2015. Collection method: clinical testing. Allele origin: germline.
Comment: This missense variant replaces aspartic acid with valine at codon 296 of the CHEK2 protein. Computational prediction is inconclusive regarding the impact of this variant on protein structure and function (internally defined REVEL score threshold 0.5 < inconclusive < 0.7, PMID: 27666373). To our knowledge, functional studies have not been reported for this variant. This variant has not been reported in individuals affected with CHEK2-related disorders in the literature. This variant has not been identified in the general population by the Genome Aggregation Database (gnomAD). The available evidence is insufficient to determine the role of this variant in disease conclusively. Therefore, this variant is classified as a Variant of Uncertain Significance.

Ambry Genetics
Classification: Uncertain significance for Hereditary cancer-predisposing syndrome. Last evaluated: 2023-08-07. Review status: criteria provided, single submitter. Criteria: Ambry Variant Classification Scheme 2023. Collection method: clinical testing. Allele origin: germline.
Comment: The p.D296V variant (also known as c.887A>T), located in coding exon 7 of the CHEK2 gene, results from an A to T substitution at nucleotide position 887. The aspartic acid at codon 296 is replaced by valine, an amino acid with highly dissimilar properties. This amino acid position is highly conserved in available vertebrate species. In addition, this alteration is predicted to be deleterious by in silico analysis. Since supporting evidence is limited at this time, the clinical significance of this alteration remains unclear.